The following is an entry in ClinVar:

ClinVar aggregate classification (germline): Uncertain significance (1 of 4 stars; one submission).

Conditions:
Cardiovascular phenotype. Identifiers: MedGen CN230736.

gnomAD v4.1: 4 of 1,382,466 alleles (0.00029%); highest among the groups gnomAD compares: Non-Finnish European, 0.00038%; no homozygotes.

Submission:

Ambry Genetics
Classification: Uncertain significance for Cardiovascular phenotype. Last evaluated: 2021-07-22. Review status: criteria provided, single submitter. Criteria: Ambry Variant Classification Scheme 2023. Collection method: clinical testing. Allele origin: germline.
Comment: The p.G42E variant (also known as c.125G>A), located in coding exon 1 of the GATAD1 gene, results from a G to A substitution at nucleotide position 125. The glycine at codon 42 is replaced by glutamic acid, an amino acid with similar properties. This amino acid position is conserved. In addition, the in silico prediction for this alteration is inconclusive. Since supporting evidence is limited at this time, the clinical significance of this alteration remains unclear.

NM_021167.5(GATAD1):c.125G>A (p.Gly42Glu)

Genes: GATAD1 (GATA zinc finger domain containing 1; plus strand), LOC129998793 (ATAC-STARR-seq lymphoblastoid silent region 18371; plus strand). Cytogenetic location: 7q21.2.
Variant type: single nucleotide variant.
Coding change: c.125G>A on transcript NM_021167.5 (MANE Select); coding-DNA position 125, G replaced by A.
Protein change: p.Gly42Glu; replaces glycine 42 with glutamic acid.
Molecular consequence: missense variant. On other transcripts: non-coding transcript variant (1).
Genome position (GRCh38, 1-based): chr7:92,447,854, G>A. VCF-style: chr7-92447854-G-A. GRCh37 (hg19) VCF-style: chr7-92077168-G-A.
Other names: short protein forms G42E.
Identifiers: ClinVar variation 1762757 (VCV001762757.2), dbSNP rs1255361804, ClinGen allele CA368155169.